The following is an entry in ClinVar:

NM_001008216.2(GALE):c.13G>T (p.Val5Leu)

Gene: GALE (UDP-galactose-4-epimerase; minus strand). Cytogenetic location: 1p36.11.
Variant type: single nucleotide variant.
Coding change: c.13G>T on transcript NM_001008216.2 (MANE Select); coding-DNA position 13, G replaced by T.
Protein change: p.Val5Leu; replaces valine 5 with leucine.
Molecular consequence: missense variant.
Genome position (GRCh38, 1-based): chr1:23,798,995, C>A on the plus strand (G>T on the coding strand, the complement: GALE is on the minus strand). VCF-style: chr1-23798995-C-A. GRCh37 (hg19) VCF-style: chr1-24125485-C-A.
Other names: c.13G>T, p.Val5Leu (NM_000403.4, NM_001127621.2); short protein forms V5L.
Identifiers: ClinVar variation 647056 (VCV000647056.1), dbSNP rs1570635677, ClinGen allele CA339016418.

ClinVar aggregate classification (germline): Uncertain significance (1 of 4 stars; one submission).

Conditions:
UDPglucose-4-epimerase deficiency. Also called: UDPglucose 4-Epimerase Deficiency Disease; UDP-GALACTOSE-4-EPIMERASE DEFICIENCY; Galactose epimerase deficiency; GALACTOSEMIA III; GALE DEFICIENCY; Epimerase Deficiency Galactosemia. Identifiers: Orphanet 352, Orphanet 79238, MedGen C0751161, MONDO:0009257, OMIM 230350.

Submission:

Labcorp Genetics (formerly Invitae), Labcorp
Classification: Uncertain significance for UDPglucose-4-epimerase deficiency. Last evaluated: 2018-08-09. Review status: criteria provided, single submitter. Criteria: Invitae Variant Classification Sherloc (09022015). Collection method: clinical testing. Allele origin: germline.
Comment: This sequence change replaces valine with leucine at codon 5 of the GALE protein (p.Val5Leu). The valine residue is highly conserved and there is a small physicochemical difference between valine and leucine. This variant is not present in population databases (ExAC no frequency). This variant has not been reported in the literature in individuals with GALE-related disease. Algorithms developed to predict the effect of missense changes on protein structure and function are either unavailable or do not agree on the potential impact of this missense change (SIFT: "Deleterious"; PolyPhen-2: "Benign"; Align-GVGD: "Class C0"). In summary, the available evidence is currently insufficient to determine the role of this variant in disease. Therefore, it has been classified as a Variant of Uncertain Significance.